The following is an entry in ClinVar:

NM_015057.5(MYCBP2):c.7401G>A (p.Lys2467=)

Gene: MYCBP2 (MYC binding protein 2; minus strand). Cytogenetic location: 13q22.3.
Variant type: single nucleotide variant.
Coding change: c.7401G>A on transcript NM_015057.5 (MANE Select); coding-DNA position 7401, G replaced by A.
Protein change: p.Lys2467=; no amino-acid change (lysine 2467 retained).
Molecular consequence: synonymous variant.
Genome position (GRCh38, 1-based): chr13:77,140,846, C>T on the plus strand (G>A on the coding strand, the complement: MYCBP2 is on the minus strand). VCF-style: chr13-77140846-C-T. GRCh37 (hg19) VCF-style: chr13-77714981-C-T.
Identifiers: ClinVar variation 2575587 (VCV002575587.1), dbSNP rs2548779642, ClinGen allele CA484338258.
Genomic context (GRCh38, chr13:77,140,846, plus strand): 5'-AGCATCAGTGACAAACGTAAAAATTGAATGATTCCGGCTCTCAATTCATTCTGCCCTAAC[C>T]TTATTAGGCTGAGGTTCAGACTTTGGTTTGACCAACTGAGTTCCTGGTGGTATCATCCCT-3'
Protein context (NP_055872.4, residues 2457-2477): VKPKSEPQPN[Lys2467=]VRKFVAKDSA

ClinVar aggregate classification (germline): Likely pathogenic (1 of 4 stars; one submission).

Submission:

GeneDx
Classification: Likely pathogenic. Last evaluated: 2023-02-09. Review status: criteria provided, single submitter. Criteria: GeneDx Variant Classification Process June 2021. Collection method: clinical testing. Allele origin: germline. Affected: yes.
Comment: Alters the last nucleotide of the exon and is predicted to destroy the splice donor site and result in aberrant splicing, although in the absence of functional evidence the actual effect of this sequence change is unknown; Not observed at significant frequency in large population cohorts (gnomAD); Has not been previously published as pathogenic or benign to our knowledge